The following is an entry in ClinVar:

NM_001024845.3(SLC6A9):c.1865G>T (p.Ser622Ile)

Gene: SLC6A9 (solute carrier family 6 member 9; minus strand). Cytogenetic location: 1p34.1.
Variant type: single nucleotide variant.
Coding change: c.1865G>T on transcript NM_001024845.3 (MANE Select); coding-DNA position 1865, G replaced by T.
Protein change: p.Ser622Ile; replaces serine 622 with isoleucine.
Molecular consequence: missense variant. On other transcripts: non-coding transcript variant (1).
Genome position (GRCh38, 1-based): chr1:43,997,582, C>A on the plus strand (G>T on the coding strand, the complement: SLC6A9 is on the minus strand). VCF-style: chr1-43997582-C-A. GRCh37 (hg19) VCF-style: chr1-44463254-C-A.
Other names: c.1877G>T, p.Ser626Ile (NM_001261380.2); c.1532G>T, p.Ser511Ile (NM_001328626.2); c.1802G>T, p.Ser601Ile (NM_001328627.1); c.1670G>T, p.Ser557Ile (NM_001328628.1); c.1865G>T, p.Ser622Ile (NM_001328629.1); c.1361G>T, p.Ser454Ile (NM_001328630.2); c.1922G>T, p.Ser641Ile (NM_006934.4); c.2084G>T, p.Ser695Ile (NM_201649.4); short protein forms S641I, S695I, S511I, S622I, S626I, S601I, S454I, S557I.
Identifiers: ClinVar variation 2085730 (VCV002085730.4), dbSNP rs202174245, ClinGen allele CA817329.

ClinVar aggregate classification (germline): Uncertain significance (1 of 4 stars; one submission).

Conditions:
Atypical glycine encephalopathy. Also called: Glycine encephalopathy with normal serum glycine. Identifiers: Orphanet 289863, MedGen C4310943, MONDO:0015010, OMIM 617301.

Allele frequency attached by ClinVar (database versions not stated): gnomAD 0.00001; gnomAD exomes 0.00002; 1000 Genomes Project 0.00020; 1000 Genomes Project 30x 0.00031; TOPMed 0.00001; ExAC 0.00002.
gnomAD v4.1: 26 of 1,613,844 alleles (0.0016%); highest among the groups gnomAD compares: Non-Finnish European, 0.0021%; no homozygotes.

Submission:

Labcorp Genetics (formerly Invitae), Labcorp
Classification: Uncertain significance for Atypical glycine encephalopathy. Last evaluated: 2022-03-14. Review status: criteria provided, single submitter. Criteria: Invitae Variant Classification Sherloc (09022015). Collection method: clinical testing. Allele origin: germline.
Comment: In summary, the available evidence is currently insufficient to determine the role of this variant in disease. Therefore, it has been classified as a Variant of Uncertain Significance. Algorithms developed to predict the effect of missense changes on protein structure and function are either unavailable or do not agree on the potential impact of this missense change (SIFT: "Tolerated"; PolyPhen-2: "Possibly Damaging"; Align-GVGD: "Class C0"). This variant has not been reported in the literature in individuals affected with SLC6A9-related conditions. This variant is present in population databases (rs202174245, gnomAD 0.003%). This sequence change replaces serine, which is neutral and polar, with isoleucine, which is neutral and non-polar, at codon 695 of the SLC6A9 protein (p.Ser695Ile).